The following is an entry in ClinVar:

ClinVar aggregate classification (germline): Likely benign (1 of 4 stars; one submission).

Allele frequency attached by ClinVar (database versions not stated): gnomAD 0.00231; TOPMed 0.00259; 1000 Genomes Project 0.00260; gnomAD exomes 0.00305; 1000 Genomes Project 30x 0.00328.
gnomAD v4.1: 3,651 of 1,229,114 alleles (0.3%); highest among the groups gnomAD compares: East Asian, 0.96%; 8 homozygotes.

Submission:

CeGaT Center for Human Genetics Tuebingen
Classification: Likely benign. Last evaluated: 2023-02-01. Review status: criteria provided, single submitter. Criteria: CeGaT Center For Human Genetics Tuebingen Variant Classification Criteria Version 2. Collection method: clinical testing. Allele origin: germline. Affected: yes. Observed: 1 variant allele.
Comment: C9orf50: BP4, BP7

NM_199350.4(C9orf50):c.198C>T (p.Asp66=)

Genes: C9orf50 (chromosome 9 open reading frame 50; minus strand), NTMT1 (N-terminal Xaa-Pro-Lys N-methyltransferase 1; plus strand). Cytogenetic location: 9q34.11.
Variant type: single nucleotide variant.
Coding change: c.198C>T on transcript NM_199350.4 (MANE Select); coding-DNA position 198, C replaced by T.
Protein change: p.Asp66=; no amino-acid change (aspartic acid 66 retained).
Molecular consequence: synonymous variant. On other transcripts: intron variant (2).
Genome position (GRCh38, 1-based): chr9:129,620,377, G>A on the plus strand (C>T on the coding strand, the complement: C9orf50 is on the minus strand). VCF-style: chr9-129620377-G-A. GRCh37 (hg19) VCF-style: chr9-132382656-G-A.
Other names: c.-55+11199G>A (NM_001286796.2); c.-55+57G>A (NM_001286797.2).
Identifiers: ClinVar variation 2659572 (VCV002659572.22), dbSNP rs368756086, ClinGen allele CA5277155.
Genomic context (GRCh38, chr9:129,620,377, plus strand): 5'-CGCGGTGAGCAAGGCGGGCAGGCGCGGCGGGAGGCGTCCGACGCCCACCCCGGGCTTGGC[G>A]TCCCCTTCCGGCCACCACGCGGCGCCGCCCCCCGGGATCCTCCAGTCCCCGGAGCCCCGC-3'
Protein context (NP_955382.3, residues 56-76): GGGAAWWPEG[Asp66=]AKPGVGVGRL